The following is an entry in ClinVar:

NM_000135.4(FANCA):c.1040G>T (p.Ser347Ile)

Gene: FANCA (FA complementation group A; minus strand). Cytogenetic location: 16q24.3.
Variant type: single nucleotide variant.
Coding change: c.1040G>T on transcript NM_000135.4 (MANE Select); coding-DNA position 1040, G replaced by T.
Protein change: p.Ser347Ile; replaces serine 347 with isoleucine.
Molecular consequence: missense variant.
Genome position (GRCh38, 1-based): chr16:89,792,514, C>A on the plus strand (G>T on the coding strand, the complement: FANCA is on the minus strand). VCF-style: chr16-89792514-C-A. GRCh37 (hg19) VCF-style: chr16-89858922-C-A.
Other names: c.1040G>T, p.Ser347Ile (NM_001286167.3); short protein forms S347I.
Identifiers: ClinVar variation 4619230 (VCV004619230.1).
Genomic context (GRCh38, chr16:89,792,514, plus strand): 5'-ATACCACATCCACTCACCCTGCGGTACAGTGAGGTGAGCAGAGGGTGTGTCCGCGCAAAG[C>A]TCCACTCTCTCTGCATCTGAACAGCATCAGATGCTGCAGGGGGAGAAACAGACAAAAACT-3'
Protein context (NP_000126.2, residues 337-357): SDAVQMQREW[Ser347Ile]FARTHPLLTS

ClinVar aggregate classification (germline): Uncertain significance (1 of 4 stars; one submission).

Conditions:
Inborn genetic diseases. Identifiers: MedGen C0950123, MeSH D030342.

gnomAD v4.1: 2 of 1,613,500 alleles (0.00012%); highest among the groups gnomAD compares: African/African-American, 0.0013%; no homozygotes.

Submission:

Ambry Genetics
Classification: Uncertain significance for Inborn genetic diseases. Last evaluated: 2025-10-28. Review status: criteria provided, single submitter. Criteria: Ambry Variant Classification Scheme 2023. Collection method: clinical testing. Allele origin: germline.
Comment: The p.S347I variant (also known as c.1040G>T), located in coding exon 12 of the FANCA gene, results from a G to T substitution at nucleotide position 1040. The serine at codon 347 is replaced by isoleucine, an amino acid with dissimilar properties. This amino acid position is conserved. In addition, this alteration is predicted to be deleterious by in silico analysis. Based on the available evidence, the clinical significance of this variant remains unclear.